The following is an entry in ClinVar:

NM_001303.4(COX10):c.858G>C (p.Trp286Cys)

Genes: COX10 (cytochrome c oxidase assembly factor heme A:farnesyltransferase COX10; plus strand), LOC105943586 (distal CMT1A-REP; plus strand). Cytogenetic location: 17p12.
Variant type: single nucleotide variant.
Coding change: c.858G>C on transcript NM_001303.4 (MANE Select); coding-DNA position 858, G replaced by C.
Protein change: p.Trp286Cys; replaces tryptophan 286 with cysteine.
Molecular consequence: missense variant.
Genome position (GRCh38, 1-based): chr17:14,192,151, G>C. VCF-style: chr17-14192151-G-C. GRCh37 (hg19) VCF-style: chr17-14095468-G-C.
Other names: short protein forms W286C.
Identifiers: ClinVar variation 2647496 (VCV002647496.25), dbSNP rs773064168, ClinGen allele CA398224448.

ClinVar aggregate classification (germline): Uncertain significance. Review status: criteria provided, multiple submitters, no conflicts (2 of 4 stars). 2 submissions from 2 submitters: Uncertain significance (2). Last evaluated 2024-06-10.

Conditions:
Mitochondrial complex IV deficiency, nuclear type 3. Also called: Mitochondrial complex 4 deficiency, nuclear type 3. Identifiers: MedGen C5436682, MONDO:0033635, OMIM 619046.

Submissions (2):

Fulgent Genetics
Classification: Uncertain significance for Mitochondrial complex IV deficiency, nuclear type 3. Last evaluated: 2024-06-10. Review status: criteria provided, single submitter. Criteria: ACMG Guidelines, 2015. Collection method: clinical testing. Allele origin: germline.

CeGaT Center for Human Genetics Tuebingen
Classification: Uncertain significance. Last evaluated: 2023-09-01. Review status: criteria provided, single submitter. Criteria: CeGaT Center For Human Genetics Tuebingen Variant Classification Criteria Version 2. Collection method: clinical testing. Allele origin: germline. Affected: yes. Observed: 1 variant allele.
Comment: COX10: PM2, PP3